The following is an entry in ClinVar:

NM_001312909.2(FAM111A):c.1608T>A (p.Phe536Leu)

Gene: FAM111A (FAM111 trypsin like peptidase A; plus strand). Cytogenetic location: 11q12.1.
Variant type: single nucleotide variant.
Coding change: c.1608T>A on transcript NM_001312909.2 (MANE Select); coding-DNA position 1608, T replaced by A.
Protein change: p.Phe536Leu; replaces phenylalanine 536 with leucine.
Molecular consequence: missense variant.
Genome position (GRCh38, 1-based): chr11:59,153,276, T>A. VCF-style: chr11-59153276-T-A. GRCh37 (hg19) VCF-style: chr11-58920749-T-A.
Other names: c.1608T>A, p.Phe536Leu (NM_001142519.3, NM_001142520.3, NM_001142521.3 and 29 more transcripts); short protein forms F536L.
Identifiers: ClinVar variation 2574550 (VCV002574550.1), dbSNP rs2496319438, ClinGen allele CA380789273.

ClinVar aggregate classification (germline): Uncertain significance (1 of 4 stars; one submission).

gnomAD v4.1: 1 of 1,614,142 alleles (0.000062%); no homozygotes.

Submission:

GeneDx
Classification: Uncertain significance. Last evaluated: 2023-01-30. Review status: criteria provided, single submitter. Criteria: GeneDx Variant Classification Process June 2021. Collection method: clinical testing. Allele origin: germline. Affected: yes.
Comment: Not observed at significant frequency in large population cohorts (gnomAD); In silico analysis supports that this missense variant has a deleterious effect on protein structure/function; Has not been previously published as pathogenic or benign to our knowledge